The following is an entry in ClinVar:

ClinVar aggregate classification (germline): Uncertain significance (1 of 4 stars; one submission).

gnomAD v4.1: 5 of 1,614,044 alleles (0.00031%); highest among the groups gnomAD compares: South Asian, 0.0055%; no homozygotes.

Submission:

Ambry Genetics
Classification: Uncertain significance. Last evaluated: 2026-03-19. Review status: criteria provided, single submitter. Criteria: Ambry Variant Classification Scheme 2023. Collection method: clinical testing. Allele origin: germline.
Comment: The c.1812G>C (p.R604S) alteration is located in exon 3 (coding exon 2) of the ADCY9 gene. This alteration results from a G to C substitution at nucleotide position 1812, causing the arginine (R) at amino acid position 604 to be replaced by a serine (S). Based on data from gnomAD, the C allele has an overall frequency of 0.001% (2/251314) total alleles studied. The highest observed frequency was 0.007% (2/30606) of South Asian alleles. Based on insufficient or conflicting evidence, the clinical significance of this alteration remains unclear.

NM_001116.4(ADCY9):c.1812G>C (p.Arg604Ser)

Gene: ADCY9 (adenylate cyclase 9; minus strand). Cytogenetic location: 16p13.3.
Variant type: single nucleotide variant.
Coding change: c.1812G>C on transcript NM_001116.4 (MANE Select); coding-DNA position 1812, G replaced by C.
Protein change: p.Arg604Ser; replaces arginine 604 with serine.
Molecular consequence: missense variant.
Genome position (GRCh38, 1-based): chr16:4,007,440, C>G on the plus strand (G>C on the coding strand, the complement: ADCY9 is on the minus strand). VCF-style: chr16-4007440-C-G. GRCh37 (hg19) VCF-style: chr16-4057441-C-G.
Other names: short protein forms R604S.
Identifiers: ClinVar variation 4867839 (VCV004867839.1).
Genomic context (GRCh38, chr16:4,007,440, plus strand): 5'-AAAGGTTTTGACAGTCTGCGCCAAGTCACTGACATTCCCTGATGACGCTGTCCCCTGTCC[C>G]CTAGGGCCTGAGGACACCTGTGAGCCGTCAATGACCTCAAAGCCAGAAAGCAAGGCCTCT-3'
Protein context (NP_001107.2, residues 594-614): IDGSQVSSGP[Arg604Ser]GQGTASSGNV